The following is an entry in ClinVar:

ClinVar aggregate classification (germline): Pathogenic (1 of 4 stars; one submission).

Submission:

Labcorp Genetics (formerly Invitae), Labcorp
Classification: Pathogenic. Last evaluated: 2024-12-16. Review status: criteria provided, single submitter. Criteria: Invitae Variant Classification Sherloc (09022015). Collection method: clinical testing. Allele origin: germline.
Comment: This sequence change creates a premature translational stop signal (p.Lys100*) in the MSH3 gene. It is expected to result in an absent or disrupted protein product. Loss-of-function variants in MSH3 are known to be pathogenic (PMID: 27476653, 37402566). This variant is not present in population databases (gnomAD no frequency). This variant has not been reported in the literature in individuals affected with MSH3-related conditions. ClinVar contains an entry for this variant (Variation ID: 948069). Algorithms developed to predict the effect of sequence changes on RNA splicing suggest that this variant may disrupt the consensus splice site. For these reasons, this variant has been classified as Pathogenic.

Literature cited by the submitters: PubMed 27476653; PubMed 37402566.

NM_002439.5(MSH3):c.298A>T (p.Lys100Ter)

Gene: MSH3 (mutS homolog 3; plus strand). Cytogenetic location: 5q14.1.
Variant type: single nucleotide variant.
Coding change: c.298A>T on transcript NM_002439.5 (MANE Select); coding-DNA position 298, A replaced by T.
Protein change: p.Lys100Ter; replaces lysine 100 with a stop codon.
Molecular consequence: nonsense.
Genome position (GRCh38, 1-based): chr5:80,656,471, A>T. VCF-style: chr5-80656471-A-T. GRCh37 (hg19) VCF-style: chr5-79952290-A-T.
Other names: short protein forms K100*.
Identifiers: ClinVar variation 948069 (VCV000948069.7), dbSNP rs776286022, ClinGen allele CA360266311.